The following is an entry in ClinVar:

NM_203446.3(SYNJ1):c.*740G>A

Gene: SYNJ1 (synaptojanin 1; minus strand). Cytogenetic location: 21q22.11.
Variant type: single nucleotide variant.
Coding change: c.*740G>A on transcript NM_203446.3 (MANE Select); 740 bases downstream of the stop codon, G replaced by A.
Molecular consequence: 3 prime UTR variant. On other transcripts: missense variant (2).
Genome position (GRCh38, 1-based): chr21:32,631,065, C>T on the plus strand (G>A on the coding strand, the complement: SYNJ1 is on the minus strand). VCF-style: chr21-32631065-C-T. GRCh37 (hg19) VCF-style: chr21-34003375-C-T.
Other names: c.*740G>A (NM_001160302.2); c.4511G>A, p.Ser1504Asn (NM_001160306.2); c.4769G>A, p.Ser1590Asn (NM_003895.4); short protein forms S1504N, S1590N.
Identifiers: ClinVar variation 2095205 (VCV002095205.1), dbSNP rs752303366, ClinGen allele CA10003048.

ClinVar aggregate classification (germline): Uncertain significance (1 of 4 stars; one submission).

Conditions:
Developmental and epileptic encephalopathy, 53. Also called: Epileptic encephalopathy, early infantile, 53. Identifiers: MedGen C4479313, MONDO:0033362, OMIM 617389.
Early-onset Parkinson disease 20. Also called: PARKINSON DISEASE 20, AUTOSOMAL RECESSIVE EARLY-ONSET. Identifiers: Orphanet 391411, MedGen C3809824, MONDO:0014233, OMIM 615530.

Allele frequency attached by ClinVar (database versions not stated): gnomAD exomes below 0.00001; ExAC 0.00001.
gnomAD v4.1: 1 of 1,614,150 alleles (0.000062%); highest among the groups gnomAD compares: Admixed American, 0.0017%; no homozygotes.

Submission:

Labcorp Genetics (formerly Invitae), Labcorp
Classification: Uncertain significance for Developmental and epileptic encephalopathy, 53; Early-onset Parkinson disease 20. Last evaluated: 2022-11-01. Review status: criteria provided, single submitter. Criteria: Invitae Variant Classification Sherloc (09022015). Collection method: clinical testing. Allele origin: germline.
Comment: This sequence change replaces serine, which is neutral and polar, with asparagine, which is neutral and polar, at codon 1590 of the SYNJ1 protein (p.Ser1590Asn). This variant is present in population databases (rs752303366, gnomAD 0.003%). This variant has not been reported in the literature in individuals affected with SYNJ1-related conditions. Algorithms developed to predict the effect of missense changes on protein structure and function (SIFT, PolyPhen-2, Align-GVGD) all suggest that this variant is likely to be tolerated. In summary, the available evidence is currently insufficient to determine the role of this variant in disease. Therefore, it has been classified as a Variant of Uncertain Significance.